The following is an entry in ClinVar:

ClinVar aggregate classification (germline): Uncertain significance. Review status: criteria provided, multiple submitters, no conflicts (2 of 4 stars). 2 submissions from 2 submitters: Uncertain significance (2). Last evaluated 2026-05-11.

Conditions:
Ehlers-Danlos syndrome, classic type, 1 (EDSCL1). Also called: EHLERS-DANLOS SYNDROME, GRAVIS TYPE; EHLERS-DANLOS SYNDROME, SEVERE CLASSIC TYPE; EDS I; Ehlers-Danlos Syndrome, Classic Type, COL5A1-Related; Ehlers-Danlos syndrome, type 1. Identifiers: MedGen C0268335, MONDO:0019567, OMIM 130000.

Allele frequency attached by ClinVar (database versions not stated): ExAC 0.00002; gnomAD exomes 0.00005 and 0.00003; TOPMed 0.00003; gnomAD 0.00004.
gnomAD v4.1: 92 of 1,613,820 alleles (0.0057%); highest among the groups gnomAD compares: South Asian, 0.0099%; no homozygotes.

Submissions (2):

Women's Health and Genetics/Laboratory Corporation of America, LabCorp
Classification: Uncertain significance. Last evaluated: 2026-05-11. Review status: criteria provided, single submitter. Criteria: LabCorp Variant Classification Summary - May 2015. Collection method: clinical testing. Allele origin: germline.
Comment: Variant summary: COL5A1 c.2286G>A (p.Pro762Pro) alters a conserved nucleotide located close to a canonical splice site and therefore could affect mRNA splicing, leading to a significantly altered protein sequence. Several computational tools predict a significant impact on normal splicing: Four predict the variant weakens a 5' donor site. However, these predictions have yet to be confirmed by functional studies. The variant allele was found at a frequency of 3.2e-05 in 251360 control chromosomes. The available data on variant occurrences in the general population are insufficient to allow any conclusion about variant significance. To our knowledge, no occurrence of c.2286G>A in individuals affected with COL5A1-related conditions and no experimental evidence demonstrating its impact on protein function have been reported. ClinVar contains an entry for this variant (Variation ID: 999466). Based on the evidence outlined above, the variant was classified as uncertain significance.

Labcorp Genetics (formerly Invitae), Labcorp
Classification: Uncertain significance for Ehlers-Danlos syndrome, classic type, 1. Last evaluated: 2025-12-11. Review status: criteria provided, single submitter. Criteria: Invitae Variant Classification Sherloc (09022015). Collection method: clinical testing. Allele origin: germline.
Comment: This sequence change affects codon 762 of the COL5A1 mRNA. It is a 'silent' change, meaning that it does not change the encoded amino acid sequence of the COL5A1 protein. This variant also falls at the last nucleotide of exon 25, which is part of the consensus splice site for this exon. The frequency data for this variant in the population databases is considered unreliable, as metrics indicate poor data quality at this position in the gnomAD database. This variant has not been reported in the literature in individuals affected with COL5A1-related conditions. ClinVar contains an entry for this variant (Variation ID: 999466). Variants that disrupt the consensus splice site are a relatively common cause of aberrant splicing (PMID: 17576681, 9536098). Algorithms developed to predict the effect of sequence changes on RNA splicing suggest that this variant is not likely to affect RNA splicing. In summary, the available evidence is currently insufficient to determine the role of this variant in disease. Therefore, it has been classified as a Variant of Uncertain Significance.

Literature cited by the submitters: PubMed 17576681 (cited by Labcorp Genetics (formerly Invitae), Labcorp); PubMed 9536098 (cited by Labcorp Genetics (formerly Invitae), Labcorp).

NM_000093.5(COL5A1):c.2286G>A (p.Pro762=)

Gene: COL5A1 (collagen type V alpha 1 chain; plus strand). Cytogenetic location: 9q34.3.
Variant type: single nucleotide variant.
Coding change: c.2286G>A on transcript NM_000093.5 (MANE Select); coding-DNA position 2286, G replaced by A.
Protein change: p.Pro762=; no amino-acid change (proline 762 retained).
Molecular consequence: synonymous variant.
Genome position (GRCh38, 1-based): chr9:134,768,463, G>A. VCF-style: chr9-134768463-G-A. GRCh37 (hg19) VCF-style: chr9-137660309-G-A.
Other names: c.2286G>A, p.Pro762= (NM_001278074.1).
Identifiers: ClinVar variation 999466 (VCV000999466.9), dbSNP rs766817444, ClinGen allele CA5319251.
Genomic context (GRCh38, chr9:134,768,463, plus strand): 5'-GTTCTAGGGTCCCTTGGGGAAACCAGGCCTTCCAGGAATGCCCGGTGCTGACGGACCCCC[G>A]GTGAGTAGCCCTGCCCACCTCATCCCTCCATACTCTCCCCACCTCCACCCTGCGGATAGG-3'
Protein context (NP_000084.3, residues 752-772): LPGMPGADGP[Pro762=]GHPGKEGPPG